The following is an entry in ClinVar:

ClinVar aggregate classification (germline): Pathogenic. Review status: criteria provided, multiple submitters, no conflicts (2 of 4 stars). 6 submissions from 6 submitters: Pathogenic (5). 1 of the submissions does not count toward it. Last evaluated 2026-08-31.

Conditions:
TTLL5-related disorder. Also called: TTLL5-related condition.
Cone-rod dystrophy 19 (CORD19). Identifiers: Orphanet 1872, MedGen C4014501, MONDO:0014372, OMIM 615860.
Retinal dystrophy. Also called: Inherited retinal dystrophy. Identifiers: Orphanet 71862, MedGen C0854723, MeSH D058499, MONDO:0019118, HP:0000556.

Allele frequency attached by ClinVar (database versions not stated): TOPMed 0.00007; ESP Exome Variant Server 0.00008; gnomAD exomes 0.00024; ExAC 0.00035.
gnomAD v4.1: 215 of 1,614,128 alleles (0.013%); highest among the groups gnomAD compares: South Asian, 0.064%; 3 homozygotes.

Submissions (6):

PreventionGenetics, part of Exact Sciences
Classification: Pathogenic for TTLL5-related condition. Last evaluated: 2026-08-31. Review status: criteria provided, single submitter. Criteria: ACMG Guidelines, 2015. Collection method: clinical testing. Allele origin: germline.
Comment: The TTLL5 c.1627G>A variant is predicted to result in the amino acid substitution p.Glu543Lys. This variant has been reported in the homozygous and compound heterozygous states in multiple individuals with retinal disease (see for examples: Sergouniotis et al. 2014. PubMed ID: 24791901; Bedoni et al. 2016. PubMed ID: 28173158; Table S1, Lin et al. 2024. PubMed ID: 38219857). A functional study using mouse models demonstrated that this variant causes an impairment in the enzymatic function of the TTLL5 protein (Sun et al. 2016. PubMed ID: 27162334). This variant is present in 0.065% of alleles in individuals of South Asian descent in gnomAD. Given all the evidence, we interpret this variant as pathogenic.

Labcorp Genetics (formerly Invitae), Labcorp
Classification: Pathogenic. Last evaluated: 2024-12-17. Review status: criteria provided, single submitter. Criteria: Invitae Variant Classification Sherloc (09022015). Collection method: clinical testing. Allele origin: germline.
Comment: This sequence change replaces glutamic acid, which is acidic and polar, with lysine, which is basic and polar, at codon 543 of the TTLL5 protein (p.Glu543Lys). This variant is present in population databases (rs199882533, gnomAD 0.06%). This missense change has been observed in individuals with retinal dystrophy (PMID: 24791901, 28173158). It has also been observed to segregate with disease in related individuals. ClinVar contains an entry for this variant (Variation ID: 139517). Invitae Evidence Modeling of protein sequence and biophysical properties (such as structural, functional, and spatial information, amino acid conservation, physicochemical variation, residue mobility, and thermodynamic stability) has been performed for this missense variant. However, the output from this modeling did not meet the statistical confidence thresholds required to predict the impact of this variant on TTLL5 protein function. Experimental studies have shown that this missense change affects TTLL5 function (PMID: 27162334). For these reasons, this variant has been classified as Pathogenic.

Blueprint Genetics
Classification: Pathogenic for TTLL5-related disorders. Last evaluated: 2024-09-11. Review status: criteria provided, single submitter. Criteria: ACMG Guidelines, 2015. Collection method: clinical testing. Allele origin: germline. Affected: yes. Observed: 5 variant alleles.

Institute of Human Genetics, Univ. Regensburg, Univ. Regensburg
Classification: Pathogenic for Retinal dystrophy. Last evaluated: 2022-01-01. Review status: criteria provided, single submitter. Criteria: ACMG Guidelines, 2015. Collection method: clinical testing. Allele origin: germline. Affected: yes.

CeGaT Center for Human Genetics Tuebingen
Classification: Pathogenic. Last evaluated: 2017-09-01. Review status: criteria provided, single submitter. Criteria: CeGaT Center For Human Genetics Tuebingen Variant Classification Criteria Version 2. Collection method: clinical testing. Allele origin: germline. Affected: yes. Observed: 2 variant alleles.

OMIM
Classification: Pathogenic for CONE-ROD DYSTROPHY 19. Last evaluated: 2014-05-01. Review status: no assertion criteria provided. Collection method: literature only. Allele origin: germline. Not counted in ClinVar's aggregate classification.

Literature cited by the submitters: PubMed 24791901 (cited by 3 submitters); PubMed 28173158 (cited by Labcorp Genetics (formerly Invitae), Labcorp and Institute of Human Genetics, Univ. Regensburg, Univ. Regensburg); PubMed 27162334 (cited by Labcorp Genetics (formerly Invitae), Labcorp and Institute of Human Genetics, Univ. Regensburg, Univ. Regensburg); PubMed 31964843 (cited by Institute of Human Genetics, Univ. Regensburg, Univ. Regensburg); PubMed 32531858 (cited by Institute of Human Genetics, Univ. Regensburg, Univ. Regensburg); PubMed 34203883 (cited by Institute of Human Genetics, Univ. Regensburg, Univ. Regensburg).

NM_015072.5(TTLL5):c.1627G>A (p.Glu543Lys)

Gene: TTLL5 (tubulin tyrosine ligase like 5; plus strand). Cytogenetic location: 14q24.3.
Variant type: single nucleotide variant.
Coding change: c.1627G>A on transcript NM_015072.5 (MANE Select); coding-DNA position 1627, G replaced by A.
Protein change: p.Glu543Lys; replaces glutamic acid 543 with lysine.
Molecular consequence: missense variant.
Genome position (GRCh38, 1-based): chr14:75,764,691, G>A. VCF-style: chr14-75764691-G-A. GRCh37 (hg19) VCF-style: chr14-76231034-G-A.
Other names: short protein forms E543K.
Identifiers: ClinVar variation 139517 (VCV000139517.54), dbSNP rs199882533, ClinGen allele CA210615.